The following is an entry in ClinVar:

ClinVar aggregate classification (germline): Uncertain significance. Review status: criteria provided, multiple submitters, no conflicts (2 of 4 stars). 2 submissions from 2 submitters: Uncertain significance (2). Last evaluated 2021-08-24.

Conditions:
Charcot-Marie-Tooth disease type 2. Also called: Charcot-Marie-Tooth type 2. Identifiers: Orphanet 64746, MedGen C0270914, MONDO:0018993.

Allele frequency attached by ClinVar (database versions not stated): gnomAD exomes below 0.00001 and 0.00001; ExAC 0.00002; gnomAD 0.00001; TOPMed 0.00001.
gnomAD v4.1: 9 of 1,613,834 alleles (0.00056%); highest among the groups gnomAD compares: South Asian, 0.0011%; no homozygotes.

Submissions (2):

Labcorp Genetics (formerly Invitae), Labcorp
Classification: Uncertain significance for Charcot-Marie-Tooth disease type 2. Last evaluated: 2021-08-24. Review status: criteria provided, single submitter. Criteria: Invitae Variant Classification Sherloc (09022015). Collection method: clinical testing. Allele origin: germline.
Comment: This sequence change affects codon 436 of the MED25 mRNA. It is a 'silent' change, meaning that it does not change the encoded amino acid sequence of the MED25 protein. This variant is present in population databases (rs750031901, ExAC 0.003%). This variant has not been reported in the literature in individuals affected with MED25-related conditions. Algorithms developed to predict the effect of sequence changes on RNA splicing suggest that this variant may create or strengthen a splice site. In summary, the available evidence is currently insufficient to determine the role of this variant in disease. Therefore, it has been classified as a Variant of Uncertain Significance.

Mayo Clinic Laboratories, Mayo Clinic
Classification: Uncertain significance. Last evaluated: 2021-06-11. Review status: criteria provided, single submitter. Criteria: ACMG Guidelines, 2015. Collection method: clinical testing. Allele origin: germline.

NM_030973.4(MED25):c.1308C>T (p.Gly436=)

Gene: MED25 (mediator complex subunit 25; plus strand). Cytogenetic location: 19q13.33.
Variant type: single nucleotide variant.
Coding change: c.1308C>T on transcript NM_030973.4 (MANE Select); coding-DNA position 1308, C replaced by T.
Protein change: p.Gly436=; no amino-acid change (glycine 436 retained).
Molecular consequence: synonymous variant.
Genome position (GRCh38, 1-based): chr19:49,832,013, C>T. VCF-style: chr19-49832013-C-T. GRCh37 (hg19) VCF-style: chr19-50335270-C-T.
Other names: p.Gly436=; c.1308C>T, p.Gly436= (NM_001378355.1).
Identifiers: ClinVar variation 939689 (VCV000939689.10), dbSNP rs750031901, ClinGen allele CA9585212.